The following is an entry in ClinVar:

ClinVar aggregate classification (germline): Uncertain significance. Review status: criteria provided, multiple submitters, no conflicts (2 of 4 stars). 3 submissions from 3 submitters: Uncertain significance (2). 1 of the submissions does not count toward it. Last evaluated 2025-06-17.

Conditions:
Hereditary cancer-predisposing syndrome. Also called: Hereditary neoplastic syndrome; Neoplastic Syndromes, Hereditary; Tumor predisposition; Hereditary Cancer Syndrome. Identifiers: Orphanet 140162, MedGen C0027672, MeSH D009386, MONDO:0015356.
Ataxia-telangiectasia syndrome (AT). Also called: Ataxia telangiectasia (A-T); LOUIS-BAR SYNDROME; Cerebello-oculocutaneous telangiectasia; Immunodeficiency with ataxia telangiectasia; Ataxia-telangiectasia, complementation group D; AT, COMPLEMENTATION GROUP C. Identifiers: Orphanet 100, MedGen C0004135, MONDO:0008840, OMIM 208900.

gnomAD v4.1: 5 of 1,614,012 alleles (0.00031%); highest among the groups gnomAD compares: South Asian, 0.0044%; no homozygotes.

Submissions (3):

Labcorp Genetics (formerly Invitae), Labcorp
Classification: Uncertain significance for Ataxia-telangiectasia syndrome. Last evaluated: 2025-06-17. Review status: criteria provided, single submitter. Criteria: Invitae Variant Classification Sherloc (09022015). Collection method: clinical testing. Allele origin: germline.
Comment: This sequence change replaces lysine, which is basic and polar, with arginine, which is basic and polar, at codon 940 of the ATM protein (p.Lys940Arg). This variant is present in population databases (rs762078586, gnomAD 0.003%). This variant has not been reported in the literature in individuals affected with ATM-related conditions. ClinVar contains an entry for this variant (Variation ID: 407639). Invitae Evidence Modeling of protein sequence and biophysical properties (such as structural, functional, and spatial information, amino acid conservation, physicochemical variation, residue mobility, and thermodynamic stability) indicates that this missense variant is not expected to disrupt ATM protein function with a negative predictive value of 95%. In summary, the available evidence is currently insufficient to determine the role of this variant in disease. Therefore, it has been classified as a Variant of Uncertain Significance.

Ambry Genetics
Classification: Uncertain significance for Hereditary cancer-predisposing syndrome. Last evaluated: 2023-02-23. Review status: criteria provided, single submitter. Criteria: Ambry Variant Classification Scheme 2023. Collection method: clinical testing. Allele origin: germline.
Comment: The p.K940R variant (also known as c.2819A>G), located in coding exon 17 of the ATM gene, results from an A to G substitution at nucleotide position 2819. The lysine at codon 940 is replaced by arginine, an amino acid with highly similar properties. This amino acid position is conserved. In addition, this alteration is predicted to be tolerated by in silico analysis. Since supporting evidence is limited at this time, the clinical significance of this alteration remains unclear.

Natera, Inc.
Classification: Uncertain significance for Ataxia-telangiectasia. Last evaluated: 2025-04-28. Review status: no assertion criteria provided. Collection method: clinical testing. Allele origin: germline. Not counted in ClinVar's aggregate classification.

NM_000051.4(ATM):c.2819A>G (p.Lys940Arg)

Gene: ATM (ATM serine/threonine kinase; plus strand). Cytogenetic location: 11q22.3.
Variant type: single nucleotide variant.
Coding change: c.2819A>G on transcript NM_000051.4 (MANE Select); coding-DNA position 2819, A replaced by G.
Protein change: p.Lys940Arg; replaces lysine 940 with arginine.
Molecular consequence: missense variant.
Genome position (GRCh38, 1-based): chr11:108,268,590, A>G. VCF-style: chr11-108268590-A-G. GRCh37 (hg19) VCF-style: chr11-108139317-A-G.
Other names: c.2819A>G, p.Lys940Arg (NM_001351834.2); short protein forms K940R.
Identifiers: ClinVar variation 407639 (VCV000407639.9), dbSNP rs762078586, ClinGen allele CA6265117.